The following is an entry in ClinVar:

ClinVar aggregate classification (germline): Likely benign. Review status: criteria provided, multiple submitters, no conflicts (2 of 4 stars). 4 submissions from 4 submitters: Likely benign (4). Last evaluated 2026-01-19.

Conditions:
Tuberous sclerosis syndrome (TSC). Also called: Tuberous sclerosis; Tuberous Sclerosis Complex. Identifiers: Orphanet 805, MedGen C0041341, MONDO:0001734.
Tuberous sclerosis 1 (TSC1). Identifiers: Orphanet 805, MedGen C1854465, MONDO:0008612, OMIM 191100.

Allele frequency attached by ClinVar (database versions not stated): TOPMed below 0.00001; ExAC 0.00001; gnomAD 0.00001; gnomAD exomes 0.00001.
gnomAD v4.1: 11 of 1,613,066 alleles (0.00068%); highest among the groups gnomAD compares: Non-Finnish European, 0.00093%; no homozygotes.

Submissions (4):

Labcorp Genetics (formerly Invitae), Labcorp
Classification: Likely benign for Tuberous sclerosis 1. Last evaluated: 2026-01-19. Review status: criteria provided, single submitter. Criteria: Invitae Variant Classification Sherloc (09022015). Collection method: clinical testing. Allele origin: germline.

Women's Health and Genetics/Laboratory Corporation of America, LabCorp
Classification: Likely benign. Last evaluated: 2025-12-19. Review status: criteria provided, single submitter. Criteria: LabCorp Variant Classification Summary - May 2015. Collection method: clinical testing. Allele origin: germline.
Comment: Variant summary: TSC1 c.2392-13T>C alters a nucleotide located at a position not widely known to affect splicing. Several computational tools predict a significant impact on normal splicing: two predict the variant slightly weakens a 3' acceptor site, while one predict no significant impact on splicing. However, these predictions have yet to be confirmed by functional studies. The variant allele was found at a frequency of 6.8e-06 in 1606070 control chromosomes, predominantly at a frequency of 9.3e-06 within the Non-Finnish European subpopulation in the gnomAD database. The occurrence in several carriers suggests that this variant is likely not associated with a high penetrance, severe, early onset disease phenotype in heterozygous state. The variant, c.2392-13T>C, has been observed in an autism cohort (Kelleher_2012). This report does not provide unequivocal conclusions about association of the variant with Tuberous Sclerosis Complex. To our knowledge, no experimental evidence demonstrating an impact on protein function has been reported. The following publication has been ascertained in the context of this evaluation (PMID: 22558107). ClinVar contains an entry for this variant (Variation ID: 1573307). Based on the evidence outlined above, the variant was classified as likely benign.

Color Diagnostics, LLC DBA Color Health
Classification: Likely benign for Tuberous sclerosis syndrome. Last evaluated: 2025-07-14. Review status: criteria provided, single submitter. Criteria: ACMG Guidelines, 2015. Collection method: clinical testing. Allele origin: germline.

Myriad Genetics, Inc.
Classification: Likely benign for Tuberous sclerosis 1. Last evaluated: 2025-04-25. Review status: criteria provided, single submitter. Criteria: Myriad Autosomal Dominant, Autosomal Recessive and X-Linked Classification Criteria (2023). Collection method: clinical testing. Allele origin: unknown.
Comment: This variant is considered likely benign. This variant is intronic and is not expected to impact mRNA splicing.

Literature cited by the submitters: PubMed 22558107 (cited by Women's Health and Genetics/Laboratory Corporation of America, LabCorp).

NM_000368.5(TSC1):c.2392-13T>C

Gene: TSC1 (TSC complex subunit 1; minus strand). Cytogenetic location: 9q34.13.
Variant type: single nucleotide variant.
Coding change: c.2392-13T>C on transcript NM_000368.5 (MANE Select); 13 bases into the intron before coding-DNA position 2392, T replaced by C.
Molecular consequence: intron variant.
Genome position (GRCh38, 1-based): chr9:132,901,712, A>G on the plus strand (T>C on the coding strand, the complement: TSC1 is on the minus strand). VCF-style: chr9-132901712-A-G. GRCh37 (hg19) VCF-style: chr9-135777099-A-G.
Other names: c.2029-13T>C (NM_001362177.2); c.2239-13T>C (NM_001162427.2); c.2389-13T>C (NM_001162426.2).
Identifiers: ClinVar variation 1573307 (VCV001573307.11), dbSNP rs779536336, ClinGen allele CA032399.